The following is an entry in ClinVar:

NM_175875.5(SIX5):c.856G>A (p.Asp286Asn)

Genes: SIX5 (SIX homeobox 5; minus strand), LOC107075317 (origin of replication in DMPK trinucleotide repeat region; plus strand). Cytogenetic location: 19q13.32.
Variant type: single nucleotide variant.
Coding change: c.856G>A on transcript NM_175875.5 (MANE Select); coding-DNA position 856, G replaced by A.
Protein change: p.Asp286Asn; replaces aspartic acid 286 with asparagine.
Molecular consequence: missense variant.
Genome position (GRCh38, 1-based): chr19:45,767,103, C>T on the plus strand (G>A on the coding strand, the complement: SIX5 is on the minus strand). VCF-style: chr19-45767103-C-T. GRCh37 (hg19) VCF-style: chr19-46270361-C-T.
Other names: short protein forms D286N.
Identifiers: ClinVar variation 4766643 (VCV004766643.1).

ClinVar aggregate classification (germline): Uncertain significance (1 of 4 stars; one submission).

Submission:

Labcorp Genetics (formerly Invitae), Labcorp
Classification: Uncertain significance. Last evaluated: 2026-01-12. Review status: criteria provided, single submitter. Criteria: Invitae Variant Classification Sherloc (09022015). Collection method: clinical testing. Allele origin: germline.
Comment: This sequence change replaces aspartic acid, which is acidic and polar, with asparagine, which is neutral and polar, at codon 286 of the SIX5 protein (p.Asp286Asn). This variant is present in population databases (no rsID available, gnomAD 0.003%). This variant has not been reported in the literature in individuals affected with SIX5-related conditions. Invitae Evidence Modeling of protein sequence and biophysical properties (such as structural, functional, and spatial information, amino acid conservation, physicochemical variation, residue mobility, and thermodynamic stability) indicates that this missense variant is expected to disrupt SIX5 protein function with a positive predictive value of 80%. In summary, the available evidence is currently insufficient to determine the role of this variant in disease. Therefore, it has been classified as a Variant of Uncertain Significance.